The following is an entry in ClinVar:

ClinVar aggregate classification (germline): Pathogenic (1 of 4 stars; one submission).

Conditions:
RPE65-related recessive retinopathy. Also called: Recessive RPE65 retinopathy. Identifiers: MedGen CN305526, MONDO:0100368.

Submission:

Myriad Genetics, Inc.
Classification: Pathogenic for RPE65-related recessive retinopathy. Last evaluated: 2024-05-14. Review status: criteria provided, single submitter. Criteria: Myriad Autosomal Dominant, Autosomal Recessive and X-Linked Classification Criteria (2023). Collection method: clinical testing. Allele origin: unknown.
Comment: NM_000329.2(RPE65):c.139_140ins11(P47Lfs*51) is expected to be pathogenic in the context of inherited retinal dystrophy, RPE65-related. This variant is predicted to lead to an abnormal or absent protein product due to the creation of a premature termination codon in RPE65, a gene where loss-of-function variants are known to be pathogenic. Please note: this variant was assessed in the context of healthy population screening.

NM_000329.3(RPE65):c.139_140insTGTCTCTTATA (p.Pro47fs)

Gene: RPE65 (retinoid isomerohydrolase RPE65; minus strand). Cytogenetic location: 1p31.3.
Variant type: Insertion.
Coding change: c.139_140insTGTCTCTTATA on transcript NM_000329.3 (MANE Select); coding-DNA positions 139 to 140, TGTCTCTTATA inserted.
Protein change: p.Pro47fs; shifts the reading frame from proline 47.
Molecular consequence: frameshift variant. On other transcripts: 5 prime UTR variant (1), intron variant (1).
Genome position: GRCh38 VCF-style: chr1-68446815-G-GTATAAGAGACA. GRCh37 (hg19) VCF-style: chr1-68912498-G-GTATAAGAGACA.
Other names: c.139_140insTGTCTCTTATA, p.Pro47fs (NM_001406853.1, NM_001406859.1, NM_001406860.1); c.-138_-137insTGTCTCTTATA (NM_001406857.1); c.-32+1808_-32+1809insTGTCTCTTATA (NM_001406856.1); short protein forms P47fs.
Identifiers: ClinVar variation 5016361 (VCV005016361.1).
Genomic context (GRCh38, chr1:68,446,815, plus strand): 5'-AGGAGGGCTTGCCCATCAAACAGGTGGTAAAATGGCTCAGATCCAACTTCAAAGAGTCCT[G>GTATAAGAGACA]GCCCACATCGAAGGAGACTGCCGGTGAGCCAGAGGGGGATCCTGCCTGTGATGAAGGGGA-3'